The following is an entry in ClinVar:

ClinVar aggregate classification (germline): Uncertain significance (1 of 4 stars; one submission).

Allele frequency attached by ClinVar (database versions not stated): TOPMed 0.00002; gnomAD 0.00003; gnomAD exomes 0.00005; ExAC 0.00012.
gnomAD v4.1: 71 of 1,609,638 alleles (0.0044%); highest among the groups gnomAD compares: South Asian, 0.02%; no homozygotes.

Submission:

Labcorp Genetics (formerly Invitae), Labcorp
Classification: Uncertain significance. Last evaluated: 2023-06-20. Review status: criteria provided, single submitter. Criteria: Invitae Variant Classification Sherloc (09022015). Collection method: clinical testing. Allele origin: germline.
Comment: This variant is present in population databases (rs747599074, gnomAD 0.04%). This variant has not been reported in the literature in individuals affected with IL6R-related conditions. ClinVar contains an entry for this variant (Variation ID: 2178980). Algorithms developed to predict the effect of missense changes on protein structure and function output the following: SIFT: "Not Available"; PolyPhen-2: "Benign"; Align-GVGD: "Not Available". The asparagine amino acid residue is found in multiple mammalian species, which suggests that this missense change does not adversely affect protein function. Algorithms developed to predict the effect of sequence changes on RNA splicing suggest that this variant may disrupt the consensus splice site. In summary, the available evidence is currently insufficient to determine the role of this variant in disease. Therefore, it has been classified as a Variant of Uncertain Significance. This sequence change replaces aspartic acid, which is acidic and polar, with asparagine, which is neutral and polar, at codon 340 of the IL6R protein (p.Asp340Asn).

NM_000565.4(IL6R):c.1018G>A (p.Asp340Asn)

Gene: IL6R (interleukin 6 receptor; plus strand). Cytogenetic location: 1q21.3.
Variant type: single nucleotide variant.
Coding change: c.1018G>A on transcript NM_000565.4 (MANE Select); coding-DNA position 1018, G replaced by A.
Protein change: p.Asp340Asn; replaces aspartic acid 340 with asparagine.
Molecular consequence: missense variant.
Genome position (GRCh38, 1-based): chr1:154,449,932, G>A. VCF-style: chr1-154449932-G-A. GRCh37 (hg19) VCF-style: chr1-154422408-G-A.
Other names: c.1018G>A, p.Asp340Asn (NM_001382769.1, NM_181359.3); c.1111G>A, p.Asp371Asn (NM_001382770.1); c.1066G>A, p.Asp356Asn (NM_001382771.1, NM_001382773.1); c.1012G>A, p.Asp338Asn (NM_001382772.1); c.658G>A, p.Asp220Asn (NM_001382774.1); short protein forms D338N, D371N, D356N, D220N, D340N.
Identifiers: ClinVar variation 2178980 (VCV002178980.2), dbSNP rs747599074, ClinGen allele CA1129238.